The following is an entry in ClinVar:

ClinVar aggregate classification (germline): Uncertain significance. Review status: criteria provided, multiple submitters, no conflicts (2 of 4 stars). 2 submissions from 2 submitters: Uncertain significance (2). Last evaluated 2023-09-12.

Conditions:
Inborn genetic diseases. Identifiers: MedGen C0950123, MeSH D030342.

Allele frequency attached by ClinVar (database versions not stated): ExAC 0.00001; gnomAD 0.00001; gnomAD exomes 0.00002; TOPMed 0.00003; ESP Exome Variant Server 0.00008.
gnomAD v4.1: 35 of 1,613,864 alleles (0.0022%); highest among the groups gnomAD compares: Non-Finnish European, 0.0029%; no homozygotes.

Submissions (2):

Ambry Genetics
Classification: Uncertain significance for Inborn genetic diseases. Last evaluated: 2023-09-12. Review status: criteria provided, single submitter. Criteria: Ambry Variant Classification Scheme 2023. Collection method: clinical testing. Allele origin: germline.

Labcorp Genetics (formerly Invitae), Labcorp
Classification: Uncertain significance. Last evaluated: 2023-08-23. Review status: criteria provided, single submitter. Criteria: Invitae Variant Classification Sherloc (09022015). Collection method: clinical testing. Allele origin: germline.
Comment: This variant has not been reported in the literature in individuals affected with KRT6B-related conditions. Advanced modeling of protein sequence and biophysical properties (such as structural, functional, and spatial information, amino acid conservation, physicochemical variation, residue mobility, and thermodynamic stability) performed at Invitae indicates that this missense variant is not expected to disrupt KRT6B protein function. In summary, the available evidence is currently insufficient to determine the role of this variant in disease. Therefore, it has been classified as a Variant of Uncertain Significance. This sequence change replaces lysine, which is basic and polar, with glutamine, which is neutral and polar, at codon 281 of the KRT6B protein (p.Lys281Gln). This variant is present in population databases (rs151191247, gnomAD 0.006%).

NM_005555.4(KRT6B):c.841A>C (p.Lys281Gln)

Gene: KRT6B (keratin 6B; minus strand). Cytogenetic location: 12q13.13.
Variant type: single nucleotide variant.
Coding change: c.841A>C on transcript NM_005555.4 (MANE Select); coding-DNA position 841, A replaced by C.
Protein change: p.Lys281Gln; replaces lysine 281 with glutamine.
Molecular consequence: missense variant.
Genome position (GRCh38, 1-based): chr12:52,449,829, T>G on the plus strand (A>C on the coding strand, the complement: KRT6B is on the minus strand). VCF-style: chr12-52449829-T-G. GRCh37 (hg19) VCF-style: chr12-52843613-T-G.
Other names: short protein forms K281Q.
Identifiers: ClinVar variation 2619762 (VCV002619762.5), dbSNP rs151191247, ClinGen allele CA6580648.
Genomic context (GRCh38, chr12:52,449,829, plus strand): 5'-AGGCTCTCAGGAAGTTGATCTCATCTGTAAGAGTGTCTGCCTTGGCTTGCAGTTCAACCT[T>G]GTTCATGTAGGCAGCATCCACATCCTGGGGAAAGAGCCAACAACCTGGAGTTGCCTGAGC-3'
Protein context (NP_005546.2, residues 271-291): KKDVDAAYMN[Lys281Gln]VELQAKADTL